The following is an entry in ClinVar:

NM_014363.6(SACS):c.1443G>A (p.Glu481=)

Gene: SACS (sacsin molecular chaperone; minus strand). Cytogenetic location: 13q12.12.
Variant type: single nucleotide variant.
Coding change: c.1443G>A on transcript NM_014363.6 (MANE Select); coding-DNA position 1443, G replaced by A.
Protein change: p.Glu481=; no amino-acid change (glutamic acid 481 retained).
Molecular consequence: synonymous variant.
Genome position (GRCh38, 1-based): chr13:23,355,169, C>T on the plus strand (G>A on the coding strand, the complement: SACS is on the minus strand). VCF-style: chr13-23355169-C-T. GRCh37 (hg19) VCF-style: chr13-23929308-C-T.
Other names: c.1002G>A, p.Glu334= (NM_001278055.2).
Identifiers: ClinVar variation 1638620 (VCV001638620.32), dbSNP rs1020930335, ClinGen allele CA246677662.

ClinVar aggregate classification (germline): Likely benign. Review status: criteria provided, multiple submitters, no conflicts (2 of 4 stars). 2 submissions from 2 submitters: Likely benign (2). Last evaluated 2024-06-24.

Conditions:
Spastic paraplegia. Identifiers: MedGen C0037772, HP:0001258.

Allele frequency attached by ClinVar (database versions not stated): gnomAD exomes below 0.00001; TOPMed below 0.00001.
gnomAD v4.1: 7 of 1,614,170 alleles (0.00043%); highest among the groups gnomAD compares: Non-Finnish European, 0.00059%; no homozygotes.

Submissions (2):

Labcorp Genetics (formerly Invitae), Labcorp
Classification: Likely benign for Spastic paraplegia. Last evaluated: 2024-06-24. Review status: criteria provided, single submitter. Criteria: Invitae Variant Classification Sherloc (09022015). Collection method: clinical testing. Allele origin: germline.

CeGaT Center for Human Genetics Tuebingen
Classification: Likely benign. Last evaluated: 2022-11-01. Review status: criteria provided, single submitter. Criteria: CeGaT Center For Human Genetics Tuebingen Variant Classification Criteria Version 2. Collection method: clinical testing. Allele origin: germline. Affected: yes. Observed: 1 variant allele.
Comment: SACS: PM2:Supporting, BP4, BP7